The following is an entry in ClinVar:

ClinVar aggregate classification (germline): Likely benign. Review status: criteria provided, single submitter (1 of 4 stars). 2 submissions from 2 submitters: Likely benign (1). 1 of the submissions does not count toward it. Last evaluated 2022-10-05.

Conditions:
ARFGEF2-related disorder. Also called: ARFGEF2-related condition.

Allele frequency attached by ClinVar (database versions not stated): TOPMed 0.00001; ExAC 0.00002; gnomAD exomes 0.00002.
gnomAD v4.1: 30 of 1,614,248 alleles (0.0019%); highest among the groups gnomAD compares: South Asian, 0.023%; 1 homozygote.

Submissions (2):

Labcorp Genetics (formerly Invitae), Labcorp
Classification: Likely benign. Last evaluated: 2022-10-05. Review status: criteria provided, single submitter. Criteria: Invitae Variant Classification Sherloc (09022015). Collection method: clinical testing. Allele origin: germline.

PreventionGenetics, part of Exact Sciences
Classification: Likely benign for ARFGEF2-related condition. Last evaluated: 2022-04-19. Review status: no assertion criteria provided. Collection method: clinical testing. Allele origin: germline. Not counted in ClinVar's aggregate classification.
Comment: This variant is classified as likely benign based on ACMG/AMP sequence variant interpretation guidelines (Richards et al. 2015 PMID: 25741868, with internal and published modifications).

NM_006420.3(ARFGEF2):c.573C>T (p.Asn191=)

Gene: ARFGEF2 (ARF guanine nucleotide exchange factor 2; plus strand). Cytogenetic location: 20q13.13.
Variant type: single nucleotide variant.
Coding change: c.573C>T on transcript NM_006420.3 (MANE Select); coding-DNA position 573, C replaced by T.
Protein change: p.Asn191=; no amino-acid change (asparagine 191 retained).
Molecular consequence: synonymous variant.
Genome position (GRCh38, 1-based): chr20:48,952,854, C>T. VCF-style: chr20-48952854-C-T. GRCh37 (hg19) VCF-style: chr20-47569391-C-T.
Other names: c.573C>T (NM_006420.2); c.573C>T, p.Asn191= (NM_001410846.1).
Identifiers: ClinVar variation 1919013 (VCV001919013.7), dbSNP rs773904164, ClinGen allele CA9898184.